The following is an entry in ClinVar:

ClinVar aggregate classification (germline): Uncertain significance (1 of 4 stars; one submission).

Submission:

Greenwood Genetic Center Diagnostic Laboratories, Greenwood Genetic Center
Classification: Uncertain significance. Last evaluated: 2026-05-06. Review status: criteria provided, single submitter. Criteria: ACMG Guidelines, 2015. Collection method: clinical testing. Allele origin: germline.
Comment: PM2

NM_014754.3(PTDSS1):c.863C>T (p.Ala288Val)

Gene: PTDSS1 (phosphatidylserine synthase 1; plus strand). Cytogenetic location: 8q22.1.
Variant type: single nucleotide variant.
Coding change: c.863C>T on transcript NM_014754.3 (MANE Select); coding-DNA position 863, C replaced by T.
Protein change: p.Ala288Val; replaces alanine 288 with valine.
Molecular consequence: missense variant.
Genome position (GRCh38, 1-based): chr8:96,304,150, C>T. VCF-style: chr8-96304150-C-T. GRCh37 (hg19) VCF-style: chr8-97316378-C-T.
Other names: c.425C>T, p.Ala142Val (NM_001290225.2); short protein forms A142V, A288V.
Identifiers: ClinVar variation 4891057 (VCV004891057.1).